The following is an entry in ClinVar:

NM_018975.4(TERF2IP):c.666C>A (p.Ser222Arg)

Gene: TERF2IP (TERF2 interacting protein; plus strand). Cytogenetic location: 16q23.1.
Variant type: single nucleotide variant.
Coding change: c.666C>A on transcript NM_018975.4 (MANE Select); coding-DNA position 666, C replaced by A.
Protein change: p.Ser222Arg; replaces serine 222 with arginine.
Molecular consequence: missense variant. On other transcripts: non-coding transcript variant (1).
Genome position (GRCh38, 1-based): chr16:75,648,548, C>A. VCF-style: chr16-75648548-C-A. GRCh37 (hg19) VCF-style: chr16-75682446-C-A.
Other names: short protein forms S222R.
Identifiers: ClinVar variation 2761005 (VCV002761005.3), dbSNP rs752149885, ClinGen allele CA396818404.

ClinVar aggregate classification (germline): Uncertain significance (1 of 4 stars; one submission).

gnomAD v4.1: 3 of 1,553,380 alleles (0.00019%); highest among the groups gnomAD compares: Non-Finnish European, 0.00026%; no homozygotes.

Submission:

Labcorp Genetics (formerly Invitae), Labcorp
Classification: Uncertain significance. Last evaluated: 2023-09-15. Review status: criteria provided, single submitter. Criteria: Invitae Variant Classification Sherloc (09022015). Collection method: clinical testing. Allele origin: germline.
Comment: In summary, the available evidence is currently insufficient to determine the role of this variant in disease. Therefore, it has been classified as a Variant of Uncertain Significance. This sequence change replaces serine, which is neutral and polar, with arginine, which is basic and polar, at codon 222 of the TERF2IP protein (p.Ser222Arg). This variant is not present in population databases (gnomAD no frequency). This variant has not been reported in the literature in individuals affected with TERF2IP-related conditions. An algorithm developed to predict the effect of missense changes on protein structure and function (PolyPhen-2) suggests that this variant is likely to be tolerated.